The following is an entry in ClinVar:

NM_025144.4(ALPK1):c.453_470del (p.Gln151_Asn157delinsHis)

Gene: ALPK1 (alpha kinase 1; plus strand). Cytogenetic location: 4q25.
Variant type: Deletion.
Coding change: c.453_470del on transcript NM_025144.4 (MANE Select); coding-DNA positions 453 to 470, 18 bases deleted (AGCCCGAATCTCCGTGAA).
Protein change: p.Gln151_Asn157delinsHis.
Molecular consequence: inframe indel.
Genome position (GRCh38, 1-based): chr4:112,412,003-112,412,020, AGCCCGAATCTCCGTGAA deleted; deleting any 18 consecutive bases within chr4:112,412,002-112,412,020 gives the same sequence; the c. name uses the placement nearest the transcript's 3' end. VCF-style (leftmost placement, unchanged base first): chr4-112412001-CAAGCCCGAATCTCCGTGA-C. GRCh37 (hg19) VCF-style: chr4-113333157-CAAGCCCGAATCTCCGTGA-C.
Other names: c.453_470del, p.Gln151_Asn157delinsHis (NM_001102406.2); c.219_236del, p.Gln73_Asn79delinsHis (NM_001253884.2).
Identifiers: ClinVar variation 4692757 (VCV004692757.1).
Genomic context (GRCh38, chr4:112,412,001, plus strand): 5'-GCCAAAGGTCTCCACAAGTTGCAGCCAGCCACGCCAATTGCCCCGCAGGTGGTTATTCGC[CAAGCCCGAATCTCCGTGA>C]ACTCAGGTATGCTCCCTCCTGCTGGCCGCCCCCGCGTCCTCAGTGTCTTCTGGTCCCCTT-3'

ClinVar aggregate classification (germline): Uncertain significance (1 of 4 stars; one submission).

Submission:

Labcorp Genetics (formerly Invitae), Labcorp
Classification: Uncertain significance. Last evaluated: 2025-10-24. Review status: criteria provided, single submitter. Criteria: Invitae Variant Classification Sherloc (09022015). Collection method: clinical testing. Allele origin: germline.
Comment: This variant, c.453_470del, is a complex sequence change that results in the deletion of 7 and insertion of 1 amino acid(s) in the ALPK1 protein (p.Gln151_Asn157delinsHis). This variant is not present in population databases (gnomAD no frequency). This variant has not been reported in the literature in individuals affected with ALPK1-related conditions. Experimental studies and prediction algorithms are not available or were not evaluated, and the functional significance of this variant is currently unknown. In summary, the available evidence is currently insufficient to determine the role of this variant in disease. Therefore, it has been classified as a Variant of Uncertain Significance.